The following is an entry in ClinVar:

NM_000277.3(PAH):c.920G>T (p.Gly307Val)

Gene: PAH (phenylalanine hydroxylase; minus strand). Cytogenetic location: 12q23.2.
Variant type: single nucleotide variant.
Coding change: c.920G>T on transcript NM_000277.3 (MANE Select); coding-DNA position 920, G replaced by T.
Protein change: p.Gly307Val; replaces glycine 307 with valine.
Molecular consequence: missense variant.
Genome position (GRCh38, 1-based): chr12:102,846,944, C>A on the plus strand (G>T on the coding strand, the complement: PAH is on the minus strand). VCF-style: chr12-102846944-C-A. GRCh37 (hg19) VCF-style: chr12-103240722-C-A.
Other names: c.920G>T, p.Gly307Val (NM_001354304.2); short protein forms G307V.
Identifiers: ClinVar variation 2017788 (VCV002017788.4), dbSNP rs2136639683, ClinGen allele CA386291739.

ClinVar aggregate classification (germline): Likely pathogenic (1 of 4 stars; one submission).

Conditions:
Phenylketonuria (PKU). Also called: FOLLING DISEASE; Phenylketonurias; Phenylketonuria (PKU); OLIGOPHRENIA PHENYLPYRUVICA. Identifiers: Orphanet 716, MedGen C0031485, MONDO:0009861, OMIM 261600. Disease mechanism: loss of function.

Submission:

Labcorp Genetics (formerly Invitae), Labcorp
Classification: Likely pathogenic for Phenylketonuria. Last evaluated: 2022-07-24. Review status: criteria provided, single submitter. Criteria: Invitae Variant Classification Sherloc (09022015). Collection method: clinical testing. Allele origin: germline.
Comment: This variant has not been reported in the literature in individuals affected with PAH-related conditions. This variant is not present in population databases (gnomAD no frequency). This sequence change replaces glycine, which is neutral and non-polar, with valine, which is neutral and non-polar, at codon 307 of the PAH protein (p.Gly307Val). In summary, the currently available evidence indicates that the variant is pathogenic, but additional data are needed to prove that conclusively. Therefore, this variant has been classified as Likely Pathogenic. This variant disrupts the p.Gly307 amino acid residue in PAH. Other variant(s) that disrupt this residue have been determined to be pathogenic (PMID: 32668217; BIOPKU). This suggests that this residue is clinically significant, and that variants that disrupt this residue are likely to be disease-causing. Advanced modeling of protein sequence and biophysical properties (such as structural, functional, and spatial information, amino acid conservation, physicochemical variation, residue mobility, and thermodynamic stability) performed at Invitae indicates that this missense variant is expected to disrupt PAH protein function.

Literature cited by the submitters: PubMed 32668217.